The following is an entry in ClinVar:

NM_001754.5(RUNX1):c.959G>T (p.Arg320Leu)

Gene: RUNX1 (RUNX family transcription factor 1; minus strand). Cytogenetic location: 21q22.12.
Variant type: single nucleotide variant.
Coding change: c.959G>T on transcript NM_001754.5 (MANE Select); coding-DNA position 959, G replaced by T.
Protein change: p.Arg320Leu; replaces arginine 320 with leucine.
Molecular consequence: missense variant.
Genome position (GRCh38, 1-based): chr21:34,799,309, C>A on the plus strand (G>T on the coding strand, the complement: RUNX1 is on the minus strand). VCF-style: chr21-34799309-C-A. GRCh37 (hg19) VCF-style: chr21-36171606-C-A.
Other names: NM_001754.5(RUNX1):c.959G>T; p.Arg320Leu; c.878G>T, p.Arg293Leu (NM_001001890.3); short protein forms R293L, R320L.
Identifiers: ClinVar variation 2823780 (VCV002823780.4), dbSNP rs761688033, ClinGen allele CA410149578.

ClinVar aggregate classification (germline): Uncertain significance. Review status: reviewed by expert panel (3 of 4 stars). 2 submissions from 2 submitters: Uncertain significance (1). 1 of the submissions does not count toward it. Last evaluated 2024-09-12.

Conditions:
Hereditary thrombocytopenia and hematological cancer predisposition syndrome associated with RUNX1. Also called: Familial Platelet Disorder with Propensity to Acute Myelogenous Leukemia; Familial thrombocytopenia with propensity to acute myelogenous leukemia; PLATELET DISORDER, ASPIRIN-LIKE; RUNX1 Familial Platelet Disorder with Associated Myeloid Malignancies. Identifiers: Orphanet 71290, MedGen C1832388, MeSH C563324, MONDO:0100083, OMIM 601399.
Hereditary thrombocytopenia and hematologic cancer predisposition syndrome. Identifiers: Orphanet 71290, MedGen CN281654, MONDO:0011071.

Submissions (2):

ClinGen Myeloid Malignancy Variant Curation Expert Panel
Classification: Uncertain significance for Hereditary thrombocytopenia and hematologic cancer predisposition syndrome. Last evaluated: 2024-09-12. Review status: reviewed by expert panel. Criteria: ClinGen MyeloMalig ACMG Specifications v2. Collection method: curation. Allele origin: germline. Inheritance: Autosomal dominant inheritance.
Comment: NM_001754.5(RUNX1):c.959G>T (p.Arg320Leu) is a missense variant which is completely absent from all population databases with at least 20x coverage for RUNX1 (PM2_supporting). In summary, the clinical significance of this variant is uncertain. ACMG/AMP criteria applied, as specified by the Myeloid Malignancy Variant Curation Expert Panel for RUNX1: PM2_supporting.

Labcorp Genetics (formerly Invitae), Labcorp
Classification: Uncertain significance for Hereditary thrombocytopenia and hematological cancer predisposition syndrome associated with RUNX1. Last evaluated: 2022-12-24. Review status: criteria provided, single submitter. Criteria: Invitae Variant Classification Sherloc (09022015). Collection method: clinical testing. Allele origin: germline. Not counted in ClinVar's aggregate classification.
Comment: This variant has not been reported in the literature in individuals affected with RUNX1-related conditions. This variant is not present in population databases (gnomAD no frequency). This sequence change replaces arginine, which is basic and polar, with leucine, which is neutral and non-polar, at codon 320 of the RUNX1 protein (p.Arg320Leu). Advanced modeling of protein sequence and biophysical properties (such as structural, functional, and spatial information, amino acid conservation, physicochemical variation, residue mobility, and thermodynamic stability) performed at Invitae indicates that this missense variant is not expected to disrupt RUNX1 protein function. In summary, the available evidence is currently insufficient to determine the role of this variant in disease. Therefore, it has been classified as a Variant of Uncertain Significance.